The following is an entry in ClinVar:

ClinVar aggregate classification (germline): Uncertain significance. Review status: criteria provided, multiple submitters, no conflicts (2 of 4 stars). 2 submissions from 2 submitters: Uncertain significance (2). Last evaluated 2026-07-06.

Conditions:
Tuberous sclerosis 2 (TSC2). Identifiers: Orphanet 805, MedGen C1860707, MONDO:0013199, OMIM 613254.
Hereditary cancer-predisposing syndrome. Also called: Hereditary Cancer Syndrome; Hereditary neoplastic syndrome; Neoplastic Syndromes, Hereditary; Tumor predisposition. Identifiers: Orphanet 140162, MedGen C0027672, MeSH D009386, MONDO:0015356.

Submissions (2):

Ambry Genetics
Classification: Uncertain significance for Hereditary cancer-predisposing syndrome. Last evaluated: 2026-07-06. Review status: criteria provided, single submitter. Criteria: Ambry Variant Classification Scheme 2023. Collection method: clinical testing. Allele origin: germline.
Comment: The p.S1334I variant (also known as c.4001G>T), located in coding exon 32 of the TSC2 gene, results from a G to T substitution at nucleotide position 4001. The serine at codon 1334 is replaced by isoleucine, an amino acid with dissimilar properties. This amino acid position is conserved. In addition, this alteration is predicted to be deleterious by in silico analysis. Based on the available evidence, the clinical significance of this variant remains unclear.

Labcorp Genetics (formerly Invitae), Labcorp
Classification: Uncertain significance for Tuberous sclerosis 2. Last evaluated: 2025-04-04. Review status: criteria provided, single submitter. Criteria: Invitae Variant Classification Sherloc (09022015). Collection method: clinical testing. Allele origin: germline.
Comment: This sequence change replaces serine, which is neutral and polar, with isoleucine, which is neutral and non-polar, at codon 1334 of the TSC2 protein (p.Ser1334Ile). This variant is not present in population databases (gnomAD no frequency). This variant has not been reported in the literature in individuals affected with TSC2-related conditions. ClinVar contains an entry for this variant (Variation ID: 2807583). Invitae Evidence Modeling of protein sequence and biophysical properties (such as structural, functional, and spatial information, amino acid conservation, physicochemical variation, residue mobility, and thermodynamic stability) indicates that this missense variant is not expected to disrupt TSC2 protein function with a negative predictive value of 95%. In summary, the available evidence is currently insufficient to determine the role of this variant in disease. Therefore, it has been classified as a Variant of Uncertain Significance.

NM_000548.5(TSC2):c.4001G>T (p.Ser1334Ile)

Gene: TSC2 (TSC complex subunit 2; plus strand). Cytogenetic location: 16p13.3.
Variant type: single nucleotide variant.
Coding change: c.4001G>T on transcript NM_000548.5 (MANE Select); coding-DNA position 4001, G replaced by T.
Protein change: p.Ser1334Ile; replaces serine 1334 with isoleucine.
Molecular consequence: missense variant. On other transcripts: non-coding transcript variant (5).
Genome position (GRCh38, 1-based): chr16:2,083,812, G>T. VCF-style: chr16-2083812-G-T. GRCh37 (hg19) VCF-style: chr16-2133813-G-T.
Other names: c.3800G>T, p.Ser1267Ile (NM_001077183.3); c.3932G>T, p.Ser1311Ile (NM_001114382.3); c.3692G>T, p.Ser1231Ile (NM_001318827.2); c.3656G>T, p.Ser1219Ile (NM_001318829.2); c.3269G>T, p.Ser1090Ile (NM_001318831.2); c.3833G>T, p.Ser1278Ile (NM_001318832.2); c.3803G>T, p.Ser1268Ile (NM_001363528.2); c.3869G>T, p.Ser1290Ile (NM_001370404.1); and 26 more; short protein forms S1134I, S1230I, S1297I, S1298I, S1308I, S1334I, S820I, S1110I.
Identifiers: ClinVar variation 2807583 (VCV002807583.4), dbSNP rs1060500964, ClinGen allele CA394297840.